The following is an entry in ClinVar:

NM_001367624.2(ZNF469):c.19del (p.Arg7fs)

Gene: ZNF469 (zinc finger protein 469; plus strand). Cytogenetic location: 16q24.2.
Variant type: Deletion.
Coding change: c.19del on transcript NM_001367624.2 (MANE Select); coding-DNA position 19, one base deleted (C; older notation c.19delC).
Protein change: p.Arg7fs; shifts the reading frame from arginine 7.
Molecular consequence: frameshift variant.
Genome position (GRCh38, 1-based): chr16:88,427,489, C deleted; the last of 5 consecutive C bases (chr16:88,427,485-88,427,489); deleting any one gives the same sequence. VCF-style (leftmost placement, unchanged base first): chr16-88427484-GC-G. GRCh37 (hg19) VCF-style: chr16-88493892-GC-G.
Other names: short protein forms R7fs.
Identifiers: ClinVar variation 2739364 (VCV002739364.3), dbSNP rs1905764128, ClinGen allele CA2241070017.
Genomic context (GRCh38, chr16:88,427,484, plus strand): 5'-GCCCCCCTCGGACAGCTGCGTCGTCCTAGCGCCAGGACGGAGGGGCCATGCCTGGGGAGC[GC>G]CCCCGAGGAGCGCCGCCCCCCACCATGACTGGAGACCTGCAGCCCCGCCAAGTTGCCAGC-3'

ClinVar aggregate classification (germline): Pathogenic (1 of 4 stars; one submission).

Submission:

Labcorp Genetics (formerly Invitae), Labcorp
Classification: Pathogenic. Last evaluated: 2023-09-21. Review status: criteria provided, single submitter. Criteria: Invitae Variant Classification Sherloc (09022015). Collection method: clinical testing. Allele origin: germline.
Comment: For these reasons, this variant has been classified as Pathogenic. This variant has not been reported in the literature in individuals affected with ZNF469-related conditions. This variant is not present in population databases (gnomAD no frequency). This sequence change creates a premature translational stop signal (p.Arg7Glufs*8) in the ZNF469 gene. It is expected to result in an absent or disrupted protein product. Loss-of-function variants in ZNF469 are known to be pathogenic (PMID: 23642083, 23680354).

Literature cited by the submitters: PubMed 23642083; PubMed 23680354.